The following is an entry in ClinVar:

NM_024649.5(BBS1):c.48-1G>T

Gene: BBS1 (Bardet-Biedl syndrome 1; plus strand). Cytogenetic location: 11q13.2.
Variant type: single nucleotide variant.
Coding change: c.48-1G>T on transcript NM_024649.5 (MANE Select); the canonical splice acceptor site of the intron before coding-DNA position 48, G replaced by T.
Molecular consequence: splice acceptor variant.
Genome position (GRCh38, 1-based): chr11:66,511,012, G>T. VCF-style: chr11-66511012-G-T. GRCh37 (hg19) VCF-style: chr11-66278483-G-T.
Identifiers: ClinVar variation 551439 (VCV000551439.8), dbSNP rs751753112, ClinGen allele CA381453466.
Genomic context (GRCh38, chr11:66,511,012, plus strand): 5'-CAAAGTTTTTTTTTCCCCTCCCATGGGACTCACTCCCCAACTGTCTTTCCCCCACTTCCA[G>T]CAATGAGGCCAATTCGAAGTGGTTGGATGCGCACTACGACCCAATGGCCAATATCCACAC-3'

ClinVar aggregate classification (germline): Pathogenic. Review status: criteria provided, single submitter (1 of 4 stars). 2 submissions from 2 submitters: Pathogenic (1). 1 of the submissions does not count toward it. Last evaluated 2021-08-16.

Conditions:
Bardet-Biedl syndrome (BBS). Identifiers: Orphanet 110, MedGen C0752166, MONDO:0015229.
Bardet-Biedl syndrome 1 (BBS1). Identifiers: MedGen C2936862, MONDO:0008854, OMIM 209900. Disease mechanism: loss of function.

gnomAD v4.1: 1 of 1,614,076 alleles (0.000062%); highest among the groups gnomAD compares: South Asian, 0.0011%; no homozygotes.

Submissions (2):

Labcorp Genetics (formerly Invitae), Labcorp
Classification: Pathogenic for Bardet-Biedl syndrome. Last evaluated: 2021-08-16. Review status: criteria provided, single submitter. Criteria: Invitae Variant Classification Sherloc (09022015). Collection method: clinical testing. Allele origin: germline.
Comment: This sequence change affects an acceptor splice site in intron 1 of the BBS1 gene. It is expected to disrupt RNA splicing. Variants that disrupt the donor or acceptor splice site typically lead to a loss of protein function (PMID: 16199547), and loss-of-function variants in BBS1 are known to be pathogenic (PMID: 12118255). This variant is not present in population databases (ExAC no frequency). Disruption of this splice site has been observed in individual(s) with Bardet-Biedl syndrome (PMID: 19797195). ClinVar contains an entry for this variant (Variation ID: 551439). Algorithms developed to predict the effect of sequence changes on RNA splicing suggest that this variant may disrupt the consensus splice site. For these reasons, this variant has been classified as Pathogenic.

Counsyl
Classification: Likely pathogenic for Bardet-Biedl syndrome 1. Last evaluated: 2017-04-10. Review status: no assertion criteria provided. Collection method: clinical testing. Allele origin: unknown. Not counted in ClinVar's aggregate classification.

Literature cited by the submitters: PubMed 16199547 (cited by Labcorp Genetics (formerly Invitae), Labcorp); PubMed 12118255 (cited by Labcorp Genetics (formerly Invitae), Labcorp); PubMed 19797195 (cited by Labcorp Genetics (formerly Invitae), Labcorp).